The following is an entry in ClinVar:

NM_177973.2(SULT2B1):c.880G>C (p.Asp294His)

Gene: SULT2B1 (sulfotransferase family 2B member 1; plus strand). Cytogenetic location: 19q13.33.
Variant type: single nucleotide variant.
Coding change: c.880G>C on transcript NM_177973.2 (MANE Select); coding-DNA position 880, G replaced by C.
Protein change: p.Asp294His; replaces aspartic acid 294 with histidine.
Molecular consequence: missense variant.
Genome position (GRCh38, 1-based): chr19:48,599,188, G>C. VCF-style: chr19-48599188-G-C. GRCh37 (hg19) VCF-style: chr19-49102445-G-C.
Other names: c.835G>C, p.Asp279His (NM_004605.2); short protein forms D279H, D294H.
Identifiers: ClinVar variation 4742430 (VCV004742430.1).

ClinVar aggregate classification (germline): Uncertain significance (1 of 4 stars; one submission).

gnomAD v4.1: 232 of 1,602,694 alleles (0.014%); highest among the groups gnomAD compares: South Asian, 0.068%; no homozygotes.

Submission:

Labcorp Genetics (formerly Invitae), Labcorp
Classification: Uncertain significance. Last evaluated: 2026-01-22. Review status: criteria provided, single submitter. Criteria: Invitae Variant Classification Sherloc (09022015). Collection method: clinical testing. Allele origin: germline.
Comment: This sequence change replaces aspartic acid, which is acidic and polar, with histidine, which is basic and polar, at codon 294 of the SULT2B1 protein (p.Asp294His). This variant is present in population databases (rs201648343, gnomAD 0.07%). This variant has not been reported in the literature in individuals affected with SULT2B1-related conditions. Invitae Evidence Modeling of protein sequence and biophysical properties (such as structural, functional, and spatial information, amino acid conservation, physicochemical variation, residue mobility, and thermodynamic stability) indicates that this missense variant is not expected to disrupt SULT2B1 protein function with a negative predictive value of 80%. In summary, the available evidence is currently insufficient to determine the role of this variant in disease. Therefore, it has been classified as a Variant of Uncertain Significance.